The following is an entry in ClinVar:

NM_000432.4(MYL2):c.47del (p.Asn16fs)

Genes: MYL2 (myosin light chain 2; minus strand), LOC114827850 (VISTA enhancer hs2149; plus strand). Cytogenetic location: 12q24.11.
Variant type: Deletion.
Coding change: c.47del on transcript NM_000432.4 (MANE Select); coding-DNA position 47, one base deleted (A; older notation c.47delA).
Protein change: p.Asn16fs; shifts the reading frame from asparagine 16.
Molecular consequence: frameshift variant.
Genome position (GRCh38, 1-based): chr12:110,919,150, T deleted on the plus strand (A on the coding strand, the reverse complement: MYL2 is on the minus strand); the first of 2 consecutive T bases (chr12:110,919,150-110,919,151); deleting either gives the same sequence. VCF-style (leftmost placement, unchanged base first): chr12-110919149-GT-G. GRCh37 (hg19) VCF-style: chr12-111356953-GT-G.
Other names: short protein forms N16fs.
Identifiers: ClinVar variation 1359362 (VCV001359362.9), dbSNP rs781431079, ClinGen allele CA6788125.

ClinVar aggregate classification (germline): Uncertain significance. Review status: criteria provided, multiple submitters, no conflicts (2 of 4 stars). 2 submissions from 2 submitters: Uncertain significance (2). Last evaluated 2025-11-25.

Conditions:
Cardiovascular phenotype. Identifiers: MedGen CN230736.
Hypertrophic cardiomyopathy 10. Also called: MYL2-Related Familial Hypertrophic Cardiomyopathy; CARDIOMYOPATHY, HYPERTROPHIC, MID-LEFT VENTRICULAR CHAMBER TYPE, 2. Identifiers: MedGen C1834460, MONDO:0012112, OMIM 608758.

Submissions (2):

Labcorp Genetics (formerly Invitae), Labcorp
Classification: Uncertain significance for Hypertrophic cardiomyopathy 10. Last evaluated: 2025-11-25. Review status: criteria provided, single submitter. Criteria: Invitae Variant Classification Sherloc (09022015). Collection method: clinical testing. Allele origin: germline.
Comment: This sequence change creates a premature translational stop signal (p.Asn16Thrfs*34) in the MYL2 gene. It is expected to result in an absent or disrupted protein product. However, the current clinical and genetic evidence is not sufficient to establish whether loss-of-function variants in MYL2 cause disease. This variant is present in population databases (rs781431079, gnomAD 0.002%). This premature translational stop signal has been observed in individual(s) with hypertrophic cardiomyopathy (PMID: 27532257). ClinVar contains an entry for this variant (Variation ID: 1359362). In summary, the available evidence is currently insufficient to determine the role of this variant in disease. Therefore, it has been classified as a Variant of Uncertain Significance.

Ambry Genetics
Classification: Uncertain significance for Cardiovascular phenotype. Last evaluated: 2022-11-01. Review status: criteria provided, single submitter. Criteria: Ambry Variant Classification Scheme 2023. Collection method: clinical testing. Allele origin: germline.
Comment: The c.47delA variant, located in coding exon 2 of the MYL2 gene, results from a deletion of one nucleotide at nucleotide position 47, causing a translational frameshift with a predicted alternate stop codon (p.N16Tfs*34). The predicted stop codon occurs in the 5&rsquo; end of theMYL2 gene. Premature termination codons in the 5&rsquo; end of a gene have been reported to escape nonsense-mediated mRNAdecay and/or lead to re-initiation (Rivas et al. Science. 2015 May 8;348(6235):666-9; Lindeboom et al. Nat Genet. 2016 Oct;48(10):1112-8; Rhee et al. Sci Rep. 2017 May 10;7(1):1653). Direct evidence for this alteration is unavailable, however premature termination codons are typically deleterious in nature. This alteration, which is also known as c.145_146delinsT (p.Asn16fs), has been reported in hypertrophic cardiomyopathy (HCM) cohorts; however, clinical details were limited (Alfares AA et al. Genet Med, 2015 Nov;17:880-8; Walsh R et al. Genet Med, 2017 02;19:192-203; Harper AR et al. Nat Genet, 2021 02;53:135-142). Although biallelic loss of function alterations in MYL2 have been associated with autosomal recessive MYL2-related myofibrillar myopathy with cardiomyopathy, haploinsufficiency for MYL2 has not been clearly established as a mechanism of disease for autosomal dominant MYL2-related cardiomyopathy. Since supporting evidence is limited at this time, the clinical significance of this alteration remains unclear.

Literature cited by the submitters: PubMed 27532257 (cited by Labcorp Genetics (formerly Invitae), Labcorp and Ambry Genetics); PubMed 25611685 (cited by Ambry Genetics); PubMed 33495597 (cited by Ambry Genetics).